The following is an entry in ClinVar:

NM_001085487.3(MYSM1):c.1789G>A (p.Glu597Lys)

Gene: MYSM1 (Myb like, SWIRM and MPN domains 1; minus strand). Cytogenetic location: 1p32.1.
Variant type: single nucleotide variant.
Coding change: c.1789G>A on transcript NM_001085487.3 (MANE Select); coding-DNA position 1789, G replaced by A.
Protein change: p.Glu597Lys; replaces glutamic acid 597 with lysine.
Molecular consequence: missense variant.
Genome position (GRCh38, 1-based): chr1:58,667,900, C>T on the plus strand (G>A on the coding strand, the complement: MYSM1 is on the minus strand). VCF-style: chr1-58667900-C-T. GRCh37 (hg19) VCF-style: chr1-59133572-C-T.
Other names: short protein forms E597K.
Identifiers: ClinVar variation 1380430 (VCV001380430.6), dbSNP rs1644498758, ClinGen allele CA340519713.

ClinVar aggregate classification (germline): Uncertain significance (1 of 4 stars; one submission).

Allele frequency attached by ClinVar (database versions not stated): gnomAD 0.00001.
gnomAD v4.1: 1 of 1,612,622 alleles (0.000062%); highest among the groups gnomAD compares: African/African-American, 0.0013%; no homozygotes.

Submission:

Labcorp Genetics (formerly Invitae), Labcorp
Classification: Uncertain significance. Last evaluated: 2021-09-09. Review status: criteria provided, single submitter. Criteria: Invitae Variant Classification Sherloc (09022015). Collection method: clinical testing. Allele origin: germline.
Comment: Algorithms developed to predict the effect of missense changes on protein structure and function are either unavailable or do not agree on the potential impact of this missense change (SIFT: "Tolerated"; PolyPhen-2: "Probably Damaging"; Align-GVGD: "Class C0"). In summary, the available evidence is currently insufficient to determine the role of this variant in disease. Therefore, it has been classified as a Variant of Uncertain Significance. This variant has not been reported in the literature in individuals affected with MYSM1-related conditions. This sequence change replaces glutamic acid with lysine at codon 597 of the MYSM1 protein (p.Glu597Lys). The glutamic acid residue is highly conserved and there is a small physicochemical difference between glutamic acid and lysine. This variant is not present in population databases (ExAC no frequency).